The following is an entry in ClinVar:

NM_019616.4(F7):c.616-6G>A

Gene: F7 (coagulation factor VII; plus strand). Cytogenetic location: 13q34.
Variant type: single nucleotide variant.
Coding change: c.616-6G>A on transcript NM_019616.4 (MANE Select); 6 bases into the intron before coding-DNA position 616, G replaced by A.
Molecular consequence: intron variant.
Genome position (GRCh38, 1-based): chr13:113,117,467, G>A. VCF-style: chr13-113117467-G-A. GRCh37 (hg19) VCF-style: chr13-113771781-G-A.
Other names: c.682-6G>A (NM_000131.5, NM_000131.4); c.430-6G>A (NM_001267554.2).
Identifiers: ClinVar variation 4805275 (VCV004805275.2).

ClinVar aggregate classification (germline): Likely benign. Review status: criteria provided, multiple submitters, no conflicts (2 of 4 stars). 2 submissions from 2 submitters: Likely benign (2). Last evaluated 2026-01-13.

Conditions:
F7-related disorder. Also called: F7-related condition.

Submissions (2):

Labcorp Genetics (formerly Invitae), Labcorp
Classification: Likely benign. Last evaluated: 2026-01-13. Review status: criteria provided, single submitter. Criteria: Invitae Variant Classification Sherloc (09022015). Collection method: clinical testing. Allele origin: germline.

PreventionGenetics, part of Exact Sciences
Classification: Likely benign for F7-related condition. Last evaluated: 2025-05-01. Review status: criteria provided, single submitter. Criteria: ACMG Guidelines, 2015. Collection method: clinical testing. Allele origin: germline.
Comment: This variant is classified as likely benign based on ACMG/AMP sequence variant interpretation guidelines (Richards et al. 2015 PMID: 25741868, with internal and published modifications).